The following is an entry in ClinVar:

NM_032447.5(FBN3):c.4144C>T (p.Pro1382Ser)

Gene: FBN3 (fibrillin 3; minus strand). Cytogenetic location: 19p13.2.
Variant type: single nucleotide variant.
Coding change: c.4144C>T on transcript NM_032447.5 (MANE Select); coding-DNA position 4144, C replaced by T.
Protein change: p.Pro1382Ser; replaces proline 1382 with serine.
Molecular consequence: missense variant.
Genome position (GRCh38, 1-based): chr19:8,111,124, G>A on the plus strand (C>T on the coding strand, the complement: FBN3 is on the minus strand). VCF-style: chr19-8111124-G-A. GRCh37 (hg19) VCF-style: chr19-8176008-G-A.
Other names: c.4144C>T, p.Pro1382Ser (NM_001321431.2); short protein forms P1382S.
Identifiers: ClinVar variation 3010557 (VCV003010557.3), dbSNP rs1568410358, ClinGen allele CA403740154.

ClinVar aggregate classification (germline): Uncertain significance (1 of 4 stars; one submission).

Submission:

Labcorp Genetics (formerly Invitae), Labcorp
Classification: Uncertain significance. Last evaluated: 2023-08-07. Review status: criteria provided, single submitter. Criteria: Invitae Variant Classification Sherloc (09022015). Collection method: clinical testing. Allele origin: germline.
Comment: Advanced modeling of protein sequence and biophysical properties (such as structural, functional, and spatial information, amino acid conservation, physicochemical variation, residue mobility, and thermodynamic stability) performed at Invitae indicates that this missense variant is expected to disrupt FBN3 protein function. This sequence change replaces proline, which is neutral and non-polar, with serine, which is neutral and polar, at codon 1382 of the FBN3 protein (p.Pro1382Ser). This variant is not present in population databases (gnomAD no frequency). This variant has not been reported in the literature in individuals affected with FBN3-related conditions. In summary, the available evidence is currently insufficient to determine the role of this variant in disease. Therefore, it has been classified as a Variant of Uncertain Significance.